The following is an entry in ClinVar:

NM_007327.4(GRIN1):c.1786G>A (p.Glu596Lys)

Gene: GRIN1 (glutamate ionotropic receptor NMDA type subunit 1; plus strand). Cytogenetic location: 9q34.3.
Variant type: single nucleotide variant.
Coding change: c.1786G>A on transcript NM_007327.4 (MANE Select); coding-DNA position 1786, G replaced by A.
Protein change: p.Glu596Lys; replaces glutamic acid 596 with lysine.
Molecular consequence: missense variant.
Genome position (GRCh38, 1-based): chr9:137,162,438, G>A. VCF-style: chr9-137162438-G-A. GRCh37 (hg19) VCF-style: chr9-140056890-G-A.
Other names: c.1786G>A (NM_007327.3); c.1786G>A, p.Glu596Lys (NM_000832.7, NM_021569.4); c.1849G>A, p.Glu617Lys (NM_001185090.2, NM_001185091.2); short protein forms E596K, E617K.
Identifiers: ClinVar variation 3662695 (VCV003662695.3).

ClinVar aggregate classification (germline): Uncertain significance. Review status: criteria provided, multiple submitters, no conflicts (2 of 4 stars). 2 submissions from 2 submitters: Uncertain significance (2). Last evaluated 2024-12-05.

Conditions:
Neurodevelopmental disorder with or without hyperkinetic movements and seizures, autosomal dominant. Also called: Intellectual disability, autosomal dominant 8. Identifiers: MedGen C3280282, MONDO:0013655, OMIM 614254.

Submissions (2):

GeneDx
Classification: Uncertain significance. Last evaluated: 2024-12-05. Review status: criteria provided, single submitter. Criteria: GeneDx Variant Classification Process June 2021. Collection method: clinical testing. Allele origin: germline. Affected: yes.
Comment: Not observed at significant frequency in large population cohorts (gnomAD); In silico analysis indicates that this missense variant does not alter protein structure/function; Has not been previously published as pathogenic or benign to our knowledge.

Labcorp Genetics (formerly Invitae), Labcorp
Classification: Uncertain significance for Neurodevelopmental disorder with or without hyperkinetic movements and seizures, autosomal dominant. Last evaluated: 2024-08-17. Review status: criteria provided, single submitter. Criteria: Invitae Variant Classification Sherloc (09022015). Collection method: clinical testing. Allele origin: germline.
Comment: This sequence change replaces glutamic acid, which is acidic and polar, with lysine, which is basic and polar, at codon 596 of the GRIN1 protein (p.Glu596Lys). This variant is not present in population databases (gnomAD no frequency). This variant has not been reported in the literature in individuals affected with GRIN1-related conditions. Invitae Evidence Modeling of protein sequence and biophysical properties (such as structural, functional, and spatial information, amino acid conservation, physicochemical variation, residue mobility, and thermodynamic stability) has been performed for this missense variant. However, the output from this modeling did not meet the statistical confidence thresholds required to predict the impact of this variant on GRIN1 protein function. In summary, the available evidence is currently insufficient to determine the role of this variant in disease. Therefore, it has been classified as a Variant of Uncertain Significance.